The following is an entry in ClinVar:

ClinVar aggregate classification (germline): Uncertain significance. Review status: criteria provided, multiple submitters, no conflicts (2 of 4 stars). 2 submissions from 2 submitters: Uncertain significance (2). Last evaluated 2024-07-23.

Conditions:
Macrothrombocytopenia and granulocyte inclusions with or without nephritis or sensorineural hearing loss (MATINS). Also called: MAY-HEGGLIN ANOMALY; DOHLE LEUKOCYTE INCLUSIONS WITH GIANT PLATELETS; MACROTHROMBOCYTOPENIA WITH LEUKOCYTE INCLUSIONS; BLEEDING DISORDER, PLATELET-TYPE, 6; SEBASTIAN PLATELET SYNDROME; MACROTHROMBOCYTOPENIA WITH DISPERSED LEUKOCYTIC INCLUSIONS. Identifiers: Orphanet 182050, MedGen C5200934, MONDO:0015912, OMIM 155100.

Submissions (2):

Labcorp Genetics (formerly Invitae), Labcorp
Classification: Uncertain significance. Last evaluated: 2024-07-23. Review status: criteria provided, single submitter. Criteria: Invitae Variant Classification Sherloc (09022015). Collection method: clinical testing. Allele origin: germline.
Comment: This variant, c.2545_2565dup, results in the insertion of 7 amino acid(s) of the MYH9 protein (p.Ala849_Val855dup), but otherwise preserves the integrity of the reading frame. This variant is not present in population databases (gnomAD no frequency). This variant has not been reported in the literature in individuals affected with MYH9-related conditions. In summary, the available evidence is currently insufficient to determine the role of this variant in disease. Therefore, it has been classified as a Variant of Uncertain Significance.

MVZ Medizinische Genetik Mainz
Classification: Uncertain significance for Macrothrombocytopenia and granulocyte inclusions with or without nephritis or sensorineural hearing loss. Last evaluated: 2023-02-03. Review status: criteria provided, single submitter. Criteria: UK Practice Guidelines For Variant Classification V4 01 2020. Collection method: clinical testing. Allele origin: germline. Inheritance: Autosomal dominant inheritance. Observed: 1 variant allele.
Comment: ACMG Criteria: PM4, PM2_SUP, PP3, PP4

NM_002473.6(MYH9):c.2545_2565dup (p.Val855_Lys856insAlaLysGluGluGluLeuVal)

Gene: MYH9 (myosin heavy chain 9; minus strand). Cytogenetic location: 22q12.3.
Variant type: Duplication.
Coding change: c.2545_2565dup on transcript NM_002473.6 (MANE Select); coding-DNA positions 2545 to 2565, 21 bases duplicated (GCCAAGGAGGAGGAGCTGGTG).
Protein change: p.Val855_Lys856insAlaLysGluGluGluLeuVal.
Molecular consequence: inframe insertion.
Genome position (GRCh38, 1-based): chr22:36,301,600-36,301,620, CACCAGCTCCTCCTCCTTGGC duplicated on the plus strand (GCCAAGGAGGAGGAGCTGGTG on the coding strand, the reverse complement: MYH9 is on the minus strand); duplicating any 21 consecutive bases within chr22:36,301,600-36,301,622 gives the same sequence; the c. name uses the placement nearest the transcript's 3' end. VCF-style (leftmost placement, unchanged base first): chr22-36301599-T-TCACCAGCTCCTCCTCCTTGGC. GRCh37 (hg19) VCF-style: chr22-36697645-T-TCACCAGCTCCTCCTCCTTGGC.
Identifiers: ClinVar variation 3235974 (VCV003235974.3), dbSNP rs2517971393, ClinGen allele CA2825002883.